The following continues an entry in ClinVar:

NM_000441.2(SLC26A4):c.919-2A>G

Gene: SLC26A4. ClinVar aggregate classification (germline): Pathogenic. Pathogenic (1).

Submissions 8 to 23 of 35:

3billion
Classification: Pathogenic for Autosomal recessive nonsyndromic hearing loss 4. Last evaluated: 2025-09-06. Review status: criteria provided, single submitter. Criteria: ACMG Guidelines, 2015. Collection method: clinical testing. Allele origin: germline. Affected: yes. Not counted in ClinVar's aggregate classification.
Comment: The variant is observed at an extremely low frequency in the gnomAD v4.1.0 dataset (total allele frequency: 0.008%). Predicted Consequence/Location: Canonical splice site: predicted to alter splicing and result in a loss or disruption of normal protein function. Multiple pathogenic loss-of-function variants are reported downstream of the variant. In silico tools predict the variant to alter splicing and produce an abnormal transcript [SpliceAI: 1.00 (spliceogenicity >=0.2, non-spliceogenicity <0.1)]. The variant has been observed in multiple (>3) similarly affected unrelated individuals (PMID: 23918157). The variant has been reported to be in trans with a pathogenic variant as either compound heterozygous or homozygous in at least 4 similarly affected unrelated individuals (PMID: 23151025, 23918157). The variant has been reported to co-segregate with the disease in at least 5 similarly affected relatives/individuals in the same family or similarly affected unrelated families (PMID: 10874637). The variant has been reported multiple times as an established pathogenic variant (ClinVar ID: VCV000004840 /PMID: 10874637 /3billion dataset). Therefore, this variant is classified as Pathogenic according to the recommendation of ACMG/AMP guideline.

Division of Genetic & Genomic Pathology, Hong Kong Children's Hospital
Classification: Pathogenic for Autosomal recessive nonsyndromic hearing loss 4. Last evaluated: 2025-04-11. Review status: criteria provided, single submitter. Criteria: ACMG Guidelines, 2015. Collection method: clinical testing. Allele origin: germline. Affected: yes. Not counted in ClinVar's aggregate classification.
Comment: SLC26A4 c.919-2A>G affects the canonical splice acceptor site in intron 7, and is expected to disrupt RNA splicing. The variant is relatively common in East Asian (gnomAD v4.0.0: 118 in 44866 alleles in East Asian). The variant has been classified as pathogenic by the ClinGen Hearing Loss Expert Panel (ClinVar VCV000004840.54). This variant was inherited in trans with another frameshift variant.

Blueprint Genetics
Classification: Pathogenic for SLC26A4-related disorders. Last evaluated: 2024-09-25. Review status: criteria provided, single submitter. Criteria: ACMG Guidelines, 2015. Collection method: clinical testing. Allele origin: germline. Affected: yes. Observed: 5 variant alleles. Not counted in ClinVar's aggregate classification.

Revvity Omics, Revvity
Classification: Pathogenic. Last evaluated: 2024-08-22. Review status: criteria provided, single submitter. Criteria: ACMG Guidelines, 2015. Collection method: clinical testing. Allele origin: germline. Not counted in ClinVar's aggregate classification.

Fulgent Genetics
Classification: Pathogenic for Pendred syndrome; Autosomal recessive nonsyndromic hearing loss 4. Last evaluated: 2024-06-17. Review status: criteria provided, single submitter. Criteria: ACMG Guidelines, 2015. Collection method: clinical testing. Allele origin: germline. Not counted in ClinVar's aggregate classification.

Daryl Scott Lab, Baylor College of Medicine
Classification: Pathogenic for Pendred syndrome. Last evaluated: 2024-04-01. Review status: criteria provided, single submitter. Criteria: ACMG Guidelines, 2015. Collection method: clinical testing. Allele origin: maternal. Observed: 1 heterozygote. Not counted in ClinVar's aggregate classification.
Comment: PVS1, PP1_Strong, PM3_VeryStrong, BS1

Baylor Genetics
Classification: Pathogenic for Autosomal recessive nonsyndromic hearing loss 4. Last evaluated: 2024-03-30. Review status: criteria provided, single submitter. Criteria: ACMG Guidelines, 2015. Collection method: clinical testing. Allele origin: unknown. Not counted in ClinVar's aggregate classification.

GeneDx
Classification: Pathogenic. Last evaluated: 2022-02-22. Review status: criteria provided, single submitter. Criteria: GeneDx Variant Classification Process June 2021. Collection method: clinical testing. Allele origin: germline. Affected: yes. Not counted in ClinVar's aggregate classification.
Comment: Canonical splice site variant predicted to result in a null allele in a gene for which loss-of-function is a known mechanism of disease; Published functional studies demonstrate a damaging effect; variant results in skipping of exon 8 and a new stop codon at position 348 (Lu et al., 2014); This variant is associated with the following publications: (PMID: 16711435, 20842945, 19786220, 23469187, 21811566, 25525159, 26100058, 20301640, 28505178, 28786104, 27308839, 28640090, 29106878, 28901477, 31442870, 30282152, 30589569, 30693673, 29234782, 31347505, 31035178, 30473558, 30036422, 31107121, 30268946, 29681450, 30554688, 31599023, 31980526, 32203226, 30896630, 32425884, 24338212, 15574297, 11502831, 21961810, 23151025, 27176802, 27498126, 24007330, 10874637, 28925492, 28981942, 28093008, 28964290, 30086623, 31415960, 30970410, 30898719, 30762457, 29921047, 29634755, 27729126, 27240500, 30733538, 30842343, 31692010, 31564438, 32574949, 29650690, 31914302, 31541171, 31827275, 30275481, 31656273, 15905611, 34426522, 32877901, 34170635, 33614372, 32447495, 33724713, 32645618, 33597575, 33638616, 25231367, 17718863, 30311386, 15679828, 14508505, 23958391)

Myriad Genetics, Inc.
Classification: Pathogenic for Pendred syndrome. Last evaluated: 2021-11-08. Review status: criteria provided, single submitter. Criteria: Myriad Women's Health Autosomal Recessive and X-Linked Classification Criteria (2021). Collection method: clinical testing. Allele origin: unknown. Not counted in ClinVar's aggregate classification.
Comment: NM_000441.1(SLC26A4):c.919-2A>G is a canonical splice variant classified as pathogenic in the context of Pendred syndrome. c.919-2A>G has been observed in cases with relevant disease (PMID: 18641518). Functional assessments of this variant are not available in the literature. c.919-2A>G has been observed in population frequency databases (gnomAD: EAS 0.49%). In summary, NM_000441.1(SLC26A4):c.919-2A>G is a canonical splice variant in a gene where loss of function is a known mechanism of disease, is predicted to disrupt protein function, and has been observed more frequently in cases with the relevant disease than in healthy populations. Please note: this variant was assessed in the context of healthy population screening. ​

Women's Health and Genetics/Laboratory Corporation of America, LabCorp
Classification: Pathogenic for Pendred syndrome. Last evaluated: 2021-04-08. Review status: criteria provided, single submitter. Criteria: LabCorp Variant Classification Summary - May 2015. Collection method: clinical testing. Allele origin: germline. Not counted in ClinVar's aggregate classification.
Comment: Variant summary: SLC26A4 c.919-2A>G is located in a canonical splice-site and is predicted to affect mRNA splicing resulting in a significantly altered protein due to either exon skipping, shortening, or inclusion of intronic material. Several computational tools predict a significant impact on normal splicing: Four predict the variant abolishes a 3' acceptor site. At least one publication reports experimental evidence that this variant affects mRNA splicing resulting in skipping of exon 8 although low levels of normal transcript were also reported in tissues from patients homozygous for this variant (example Lee_2014). The variant allele was found at a frequency of 0.00036 in 251010 control chromosomes. This frequency is not significantly higher than expected for a pathogenic variant in SLC26A4 causing Pendred Syndrome (0.00036 vs 0.0035), allowing no conclusion about variant significance. c.919-2A>G has been widely reported in the literature in multiple individuals affected with Pendred Syndrome (example, Coucke_1999, Li_2012). These data indicate that the variant is very likely to be associated with disease. Multiple clinical diagnostic laboratories and an expert panel (ClinGen Hearing Loss Variant Curation Panel) have submitted clinical-significance assessments for this variant to ClinVar after 2014. All submitters classified the variant as pathogenic/likely pathogenic. Based on the evidence outlined above, the variant was classified as pathogenic.

Molecular Diagnostics Lab, Nemours Children's Health, Delaware
Classification: Pathogenic for Pendred syndrome. Last evaluated: 2020-05-08. Review status: criteria provided, single submitter. Criteria: ACMG Guidelines, 2015. Collection method: clinical testing. Allele origin: paternal, maternal, unknown. Inheritance: Autosomal recessive inheritance. Affected: yes and no. Observed: 1 heterozygote, 4 compound heterozygotes. Not counted in ClinVar's aggregate classification.

Division of Hearing and Balance Research, National Hospital Organization Tokyo Medical Center
Classification: Pathogenic for Autosomal recessive nonsyndromic hearing loss 4. Last evaluated: 2017-07-01. Review status: criteria provided, single submitter. Criteria: Submitter's publication. Collection method: clinical testing. Allele origin: germline. Affected: yes. Observed: 5 variant alleles. Clinical features observed: Hearing impairment (HP:0000365). Not counted in ClinVar's aggregate classification.

Eurofins Ntd Llc (ga)
Classification: Pathogenic. Last evaluated: 2016-11-04. Review status: criteria provided, single submitter. Criteria: EGL Classification Definitions 2015. Collection method: clinical testing. Allele origin: germline. Observed: 1 variant allele, 1 heterozygote. Not counted in ClinVar's aggregate classification.

Soonchunhyang University Bucheon Hospital, Soonchunhyang University Medical Center
Classification: Likely pathogenic for Pendred syndrome. Last evaluated: 2016-03-18. Review status: criteria provided, single submitter. Criteria: ACMG Guidelines, 2015. Collection method: reference population. Allele origin: germline. Observed: 1 variant allele. Not counted in ClinVar's aggregate classification.

Laboratory for Molecular Medicine, Mass General Brigham Personalized Medicine
Classification: Pathogenic for Rare genetic deafness. Last evaluated: 2011-02-01. Review status: criteria provided, single submitter. Criteria: LMM Criteria. Collection method: clinical testing. Allele origin: germline. Inheritance: Autosomal recessive inheritance. Observed: 6 variant alleles. Not counted in ClinVar's aggregate classification.
Comment: The 919-2A>G variant in SLC26A4 has been reported in over 400 individuals with n onsyndromic hearing loss or Pendred syndrome (Coucke 1999, Yong 2001, Park 2003, Tsukamoto 2003, Park 2005, Dai 2008). This variant was found to segregate with Pendred syndrome in two large families (Coucke 1999, Iwasaki 2006). In addition, is predicted to cause abnormal splicing because the nucleotide substitution occ urs in the invariant region of the splice consensus sequence. In summary, this v ariant meets our criteria to be classified as pathogenic.

Baylor Genetics
Classification: Pathogenic for Pendred syndrome. Review status: criteria provided, single submitter. Criteria: ACMG Guidelines, 2015. Collection method: clinical testing. Allele origin: germline. Not counted in ClinVar's aggregate classification.